The following is an entry in ClinVar:

ClinVar aggregate classification (germline): Conflicting classifications of pathogenicity. Review status: criteria provided, conflicting classifications (1 of 4 stars). 2 submissions from 2 submitters: Uncertain significance (1); Likely benign (1). Last evaluated 2026-05-29.

Conditions:
Inborn genetic diseases. Identifiers: MedGen C0950123, MeSH D030342.

Allele frequency attached by ClinVar (database versions not stated): TOPMed 0.00002; gnomAD 0.00001; gnomAD exomes 0.00001; ExAC 0.00002.
gnomAD v4.1: 21 of 1,580,834 alleles (0.0013%); highest among the groups gnomAD compares: South Asian, 0.012%; no homozygotes.

Submissions (2):

Ambry Genetics
Classification: Likely benign for Inborn genetic diseases. Last evaluated: 2026-05-29. Review status: criteria provided, single submitter. Criteria: Ambry Variant Classification Scheme 2023. Collection method: clinical testing. Allele origin: germline.

Labcorp Genetics (formerly Invitae), Labcorp
Classification: Uncertain significance. Last evaluated: 2023-11-03. Review status: criteria provided, single submitter. Criteria: Invitae Variant Classification Sherloc (09022015). Collection method: clinical testing. Allele origin: germline.
Comment: This sequence change replaces valine, which is neutral and non-polar, with isoleucine, which is neutral and non-polar, at codon 980 of the AHDC1 protein (p.Val980Ile). The frequency data for this variant in the population databases is considered unreliable, as metrics indicate poor data quality at this position in the gnomAD database. This variant has not been reported in the literature in individuals affected with AHDC1-related conditions. An algorithm developed to predict the effect of missense changes on protein structure and function (PolyPhen-2) suggests that this variant is likely to be tolerated. In summary, the available evidence is currently insufficient to determine the role of this variant in disease. Therefore, it has been classified as a Variant of Uncertain Significance.

NM_001371928.1(AHDC1):c.2938G>A (p.Val980Ile)

Gene: AHDC1 (AT-hook DNA binding motif containing 1; minus strand). Cytogenetic location: 1p36.11.
Variant type: single nucleotide variant.
Coding change: c.2938G>A on transcript NM_001371928.1 (MANE Select); coding-DNA position 2938, G replaced by A.
Protein change: p.Val980Ile; replaces valine 980 with isoleucine.
Molecular consequence: missense variant.
Genome position (GRCh38, 1-based): chr1:27,549,178, C>T on the plus strand (G>A on the coding strand, the complement: AHDC1 is on the minus strand). VCF-style: chr1-27549178-C-T. GRCh37 (hg19) VCF-style: chr1-27875689-C-T.
Other names: c.2938G>A, p.Val980Ile (NM_001029882.3); c.2938G>A (NM_001029882.2); short protein forms V980I.
Identifiers: ClinVar variation 2980907 (VCV002980907.4), dbSNP rs753538351, ClinGen allele CA715659.